The following is an entry in ClinVar:

NM_004655.4(AXIN2):c.2182G>T (p.Ala728Ser)

Gene: AXIN2 (axin 2; minus strand). Cytogenetic location: 17q24.1.
Variant type: single nucleotide variant.
Coding change: c.2182G>T on transcript NM_004655.4 (MANE Select); coding-DNA position 2182, G replaced by T.
Protein change: p.Ala728Ser; replaces alanine 728 with serine.
Molecular consequence: missense variant.
Genome position (GRCh38, 1-based): chr17:65,535,681, C>A on the plus strand (G>T on the coding strand, the complement: AXIN2 is on the minus strand). VCF-style: chr17-65535681-C-A. GRCh37 (hg19) VCF-style: chr17-63531799-C-A.
Other names: c.1987G>T, p.Ala663Ser (NM_001363813.1); short protein forms A663S, A728S.
Identifiers: ClinVar variation 2014513 (VCV002014513.5), dbSNP rs141260153, ClinGen allele CA400675798.

ClinVar aggregate classification (germline): Uncertain significance. Review status: criteria provided, multiple submitters, no conflicts (2 of 4 stars). 2 submissions from 2 submitters: Uncertain significance (2). Last evaluated 2024-08-17.

Conditions:
Oligodontia-cancer predisposition syndrome. Also called: TOOTH AGENESIS-COLORECTAL CANCER SYNDROME. Identifiers: Orphanet 300576, MedGen C1837750, MONDO:0012075, OMIM 608615. Disease mechanism: loss of function.
Hereditary cancer-predisposing syndrome. Also called: Hereditary Cancer Syndrome; Neoplastic Syndromes, Hereditary; Hereditary neoplastic syndrome; Tumor predisposition. Identifiers: Orphanet 140162, MedGen C0027672, MeSH D009386, MONDO:0015356.

Submissions (2):

Ambry Genetics
Classification: Uncertain significance for Hereditary cancer-predisposing syndrome. Last evaluated: 2024-08-17. Review status: criteria provided, single submitter. Criteria: Ambry Variant Classification Scheme 2023. Collection method: clinical testing. Allele origin: germline.
Comment: The p.A728S variant (also known as c.2182G>T), located in coding exon 8 of the AXIN2 gene, results from a G to T substitution at nucleotide position 2182. The alanine at codon 728 is replaced by serine, an amino acid with similar properties. This amino acid position is conserved. In addition, this alteration is predicted to be tolerated by in silico analysis. Based on the available evidence, the clinical significance of this variant remains unclear.

Labcorp Genetics (formerly Invitae), Labcorp
Classification: Uncertain significance for Oligodontia-cancer predisposition syndrome. Last evaluated: 2022-07-06. Review status: criteria provided, single submitter. Criteria: Invitae Variant Classification Sherloc (09022015). Collection method: clinical testing. Allele origin: germline.
Comment: In summary, the available evidence is currently insufficient to determine the role of this variant in disease. Therefore, it has been classified as a Variant of Uncertain Significance. Algorithms developed to predict the effect of missense changes on protein structure and function output the following: SIFT: "Tolerated"; PolyPhen-2: "Benign"; Align-GVGD: "Class C0". The serine amino acid residue is found in multiple mammalian species, which suggests that this missense change does not adversely affect protein function. This variant has not been reported in the literature in individuals affected with AXIN2-related conditions. This variant is not present in population databases (gnomAD no frequency). This sequence change replaces alanine, which is neutral and non-polar, with serine, which is neutral and polar, at codon 728 of the AXIN2 protein (p.Ala728Ser).